The following is an entry in ClinVar:

NM_001330574.2(ZNF711):c.1835A>G (p.His612Arg)

Gene: ZNF711 (ZFX family zinc finger ZNF711; plus strand). Cytogenetic location: Xq21.1.
Variant type: single nucleotide variant.
Coding change: c.1835A>G on transcript NM_001330574.2 (MANE Select); coding-DNA position 1835, A replaced by G.
Protein change: p.His612Arg; replaces histidine 612 with arginine.
Molecular consequence: missense variant.
Genome position (GRCh38, 1-based): chrX:85,271,239, A>G. VCF-style: chrX-85271239-A-G. GRCh37 (hg19) VCF-style: chrX-84526245-A-G.
Other names: c.1835A>G, p.His612Arg (NM_001375431.1, NM_001375432.1, NM_001375433.1); c.1697A>G, p.His566Arg (NM_001375434.1, NM_001375435.1, NM_001375436.1 and 2 more transcripts); short protein forms H566R, H612R.
Identifiers: ClinVar variation 2661004 (VCV002661004.24), dbSNP rs866282116, ClinGen allele CA413775326.

ClinVar aggregate classification (germline): Uncertain significance (1 of 4 stars; one submission).

Allele frequency attached by ClinVar (database versions not stated): gnomAD exomes below 0.00001.
gnomAD v4.1: 1 of 1,209,734 alleles (0.000083%); highest among the groups gnomAD compares: Non-Finnish European, 0.00011%; no homozygotes.

Submission:

CeGaT Center for Human Genetics Tuebingen
Classification: Uncertain significance. Last evaluated: 2023-04-01. Review status: criteria provided, single submitter. Criteria: CeGaT Center For Human Genetics Tuebingen Variant Classification Criteria Version 2. Collection method: clinical testing. Allele origin: germline. Affected: yes. Observed: 1 variant allele.
Comment: ZNF711: PM2